The following is an entry in ClinVar:

NM_198578.4(LRRK2):c.5173C>T (p.Arg1725Ter)

Gene: LRRK2 (leucine rich repeat kinase 2; plus strand). Cytogenetic location: 12q12.
Variant type: single nucleotide variant.
Coding change: c.5173C>T on transcript NM_198578.4 (MANE Select); coding-DNA position 5173, C replaced by T.
Protein change: p.Arg1725Ter; replaces arginine 1725 with a stop codon.
Molecular consequence: nonsense.
Genome position (GRCh38, 1-based): chr12:40,322,037, C>T. VCF-style: chr12-40322037-C-T. GRCh37 (hg19) VCF-style: chr12-40715839-C-T.
Other names: short protein forms R1725*.
Identifiers: ClinVar variation 39204 (VCV000039204.7), dbSNP rs11564176, ClinGen allele CA343618.

ClinVar aggregate classification (germline): Conflicting classifications of pathogenicity. Review status: criteria provided, conflicting classifications (1 of 4 stars). 3 submissions from 3 submitters: Uncertain significance (1); Likely benign (1). 1 of the submissions does not count toward it. Last evaluated 2026-04-01.

Conditions:
Autosomal dominant Parkinson disease 8. Also called: LRRK2-Related Parkinson Disease; Parkinson disease 8; Parkinson disease 8, susceptibility to. Identifiers: Orphanet 411602, MedGen C1846862, MONDO:0011764, OMIM 607060.

Allele frequency attached by ClinVar (database versions not stated): TOPMed 0.00003.
gnomAD v4.1: 42 of 1,612,836 alleles (0.0026%); highest among the groups gnomAD compares: Admixed American, 0.043%; 1 homozygote.

Submissions (3):

CeGaT Center for Human Genetics Tuebingen
Classification: Likely benign. Last evaluated: 2026-04-01. Review status: criteria provided, single submitter. Criteria: CeGaT Center For Human Genetics Tuebingen Variant Classification Criteria Version 2. Collection method: clinical testing. Allele origin: germline. Affected: yes. Observed: 1 variant allele.
Comment: LRRK2: BS2

Labcorp Genetics (formerly Invitae), Labcorp
Classification: Uncertain significance for Autosomal dominant Parkinson disease 8. Last evaluated: 2024-06-20. Review status: criteria provided, single submitter. Criteria: Invitae Variant Classification Sherloc (09022015). Collection method: clinical testing. Allele origin: germline.
Comment: This sequence change creates a premature translational stop signal (p.Arg1725*) in the LRRK2 gene. It is expected to result in an absent or disrupted protein product. However, the current clinical and genetic evidence is not sufficient to establish whether loss-of-function variants in LRRK2 cause disease. This variant is present in population databases (rs11564176, gnomAD 0.05%), and has an allele count higher than expected for a pathogenic variant. This variant has not been reported in the literature in individuals affected with LRRK2-related conditions. ClinVar contains an entry for this variant (Variation ID: 39204). Algorithms developed to predict the effect of sequence changes on RNA splicing suggest that this variant may disrupt the consensus splice site. In summary, the available evidence is currently insufficient to determine the role of this variant in disease. Therefore, it has been classified as a Variant of Uncertain Significance.

GeneReviews
No classification provided. Condition: Autosomal dominant Parkinson disease 8. Review status: no classification provided. Collection method: literature only. Allele origin: unknown. Not counted in ClinVar's aggregate classification.

Literature cited by the submitters: PubMed 20301387 (cited by GeneReviews); NCBI Bookshelf NBK1208 (cited by GeneReviews).